The following is an entry in ClinVar:

ClinVar aggregate classification (germline): Uncertain significance. Review status: criteria provided, multiple submitters, no conflicts (2 of 4 stars). 2 submissions from 2 submitters: Uncertain significance (2). Last evaluated 2026-01-28.

Conditions:
Developmental and epileptic encephalopathy, 27 (DEE27). Also called: GRIN2B-Related Neurodevelopmental Disorder; Epileptic encephalopathy, early infantile, 27. Identifiers: Orphanet 3451, MedGen C4015316, MONDO:0014505, OMIM 616139.
Intellectual developmental disorder, autosomal dominant 6, with or without seizures. Also called: GRIN2B-related developmental delay, intellectual disability and autism spectrum disorder; Intellectual disability, autosomal dominant 6. Identifiers: Orphanet 589547, MedGen C3151411, MONDO:0013509, OMIM 613970.

Allele frequency attached by ClinVar (database versions not stated): gnomAD exomes below 0.00001; ExAC 0.00001; gnomAD 0.00001.
gnomAD v4.1: 4 of 1,613,494 alleles (0.00025%); highest among the groups gnomAD compares: East Asian, 0.0022%; no homozygotes.

Submissions (2):

Labcorp Genetics (formerly Invitae), Labcorp
Classification: Uncertain significance for Developmental and epileptic encephalopathy, 27; Intellectual developmental disorder, autosomal dominant 6, with or without seizures. Last evaluated: 2026-01-28. Review status: criteria provided, single submitter. Criteria: Invitae Variant Classification Sherloc (09022015). Collection method: clinical testing. Allele origin: germline.
Comment: This sequence change replaces alanine, which is neutral and non-polar, with glycine, which is neutral and non-polar, at codon 1417 of the GRIN2B protein (p.Ala1417Gly). This variant is present in population databases (rs377105285, gnomAD 0.006%). This variant has not been reported in the literature in individuals affected with GRIN2B-related conditions. ClinVar contains an entry for this variant (Variation ID: 1964391). Invitae Evidence Modeling of protein sequence and biophysical properties (such as structural, functional, and spatial information, amino acid conservation, physicochemical variation, residue mobility, and thermodynamic stability) has been performed for this missense variant. However, the output from this modeling did not meet the statistical confidence thresholds required to predict the impact of this variant on GRIN2B protein function. In summary, the available evidence is currently insufficient to determine the role of this variant in disease. Therefore, it has been classified as a Variant of Uncertain Significance.

GeneDx
Classification: Uncertain significance. Last evaluated: 2025-05-02. Review status: criteria provided, single submitter. Criteria: GeneDx Variant Classification Process June 2021. Collection method: clinical testing. Allele origin: germline. Affected: yes.
Comment: In silico analysis suggests that this missense variant does not alter protein structure/function; Has not been previously published as pathogenic or benign to our knowledge

NM_000834.5(GRIN2B):c.4250C>G (p.Ala1417Gly)

Gene: GRIN2B (glutamate ionotropic receptor NMDA type subunit 2B; minus strand). Cytogenetic location: 12p13.1.
Variant type: single nucleotide variant.
Coding change: c.4250C>G on transcript NM_000834.5 (MANE Select); coding-DNA position 4250, C replaced by G.
Protein change: p.Ala1417Gly; replaces alanine 1417 with glycine.
Molecular consequence: missense variant.
Genome position (GRCh38, 1-based): chr12:13,562,988, G>C on the plus strand (C>G on the coding strand, the complement: GRIN2B is on the minus strand). VCF-style: chr12-13562988-G-C. GRCh37 (hg19) VCF-style: chr12-13715922-G-C.
Other names: c.4250C>G (NM_000834.3); c.4250C>G, p.Ala1417Gly (NM_001413992.1); short protein forms A1417G.
Identifiers: ClinVar variation 1964391 (VCV001964391.6), dbSNP rs377105285, ClinGen allele CA6460759.